The following is an entry in ClinVar:

ClinVar aggregate classification (germline): Uncertain significance. Review status: criteria provided, single submitter (1 of 4 stars). 2 submissions from 2 submitters: Uncertain significance (1). 1 of the submissions does not count toward it. Last evaluated 2025-02-01.

Conditions:
PLXNA4-related disorder. Also called: PLXNA4-related condition.

Allele frequency attached by ClinVar (database versions not stated): ExAC 0.00007; TOPMed 0.00009; gnomAD 0.00012; ESP Exome Variant Server 0.00016; gnomAD exomes 0.00029; 1000 Genomes Project 30x 0.00031; 1000 Genomes Project 0.00040.
gnomAD v4.1: 401 of 1,520,068 alleles (0.026%); highest among the groups gnomAD compares: East Asian, 0.053%; no homozygotes.

Submissions (2):

Ambry Genetics
Classification: Uncertain significance. Last evaluated: 2025-02-01. Review status: criteria provided, single submitter. Criteria: Ambry Variant Classification Scheme 2023. Collection method: clinical testing. Allele origin: germline.

PreventionGenetics, part of Exact Sciences
Classification: Uncertain significance for PLXNA4-related condition. Last evaluated: 2024-05-14. Review status: no assertion criteria provided. Collection method: clinical testing. Allele origin: germline. Not counted in ClinVar's aggregate classification.
Comment: The PLXNA4 c.2576G>A variant is predicted to result in the amino acid substitution p.Arg859His. To our knowledge, this variant has not been reported in the literature. This variant is reported in 0.014% of alleles in individuals of European (Non-Finnish) descent in gnomAD. At this time, the clinical significance of this variant is uncertain due to the absence of conclusive functional and genetic evidence.

NM_020911.2(PLXNA4):c.2576G>A (p.Arg859His)

Gene: PLXNA4 (plexin A4; minus strand). Cytogenetic location: 7q32.3.
Variant type: single nucleotide variant.
Coding change: c.2576G>A on transcript NM_020911.2 (MANE Select); coding-DNA position 2576, G replaced by A.
Protein change: p.Arg859His; replaces arginine 859 with histidine.
Molecular consequence: missense variant.
Genome position (GRCh38, 1-based): chr7:132,202,656, C>T on the plus strand (G>A on the coding strand, the complement: PLXNA4 is on the minus strand). VCF-style: chr7-132202656-C-T. GRCh37 (hg19) VCF-style: chr7-131887415-C-T.
Other names: c.2576G>A, p.Arg859His (NM_001393897.1); short protein forms R859H.
Identifiers: ClinVar variation 2360765 (VCV002360765.4), dbSNP rs201337636, ClinGen allele CA4489773.